The following is an entry in ClinVar:

NM_000138.5(FBN1):c.5422+2T>C

Gene: FBN1 (fibrillin 1; minus strand). Cytogenetic location: 15q21.1.
Variant type: single nucleotide variant.
Coding change: c.5422+2T>C on transcript NM_000138.5 (MANE Select); the canonical splice donor site of the intron after coding-DNA position 5422, T replaced by C.
Molecular consequence: splice donor variant.
Genome position (GRCh38, 1-based): chr15:48,456,635, A>G on the plus strand (T>C on the coding strand, the complement: FBN1 is on the minus strand). VCF-style: chr15-48456635-A-G. GRCh37 (hg19) VCF-style: chr15-48748832-A-G.
Other names: c.5422+2T>C (NM_001406716.1).
Identifiers: ClinVar variation 495620 (VCV000495620.6), dbSNP rs1555396417, ClinGen allele CA392345768.
Genomic context (GRCh38, chr15:48,456,635, plus strand): 5'-TGTATCAAGTAGCTCATCAGTTAGCTCTTTTCTGGATATGATAAAGTCATGATGCCACTT[A>G]CCTTCACAAACCAACAACTTGTCATTATAGAAGAATCCCACTGGACATTCACATCGGAAG-3'

ClinVar aggregate classification (germline): Pathogenic/Likely pathogenic. Review status: criteria provided, multiple submitters, no conflicts (2 of 4 stars). 2 submissions from 2 submitters: Pathogenic (1); Likely pathogenic (1). Last evaluated 2022-10-25.

Conditions:
Marfan Syndrome/Loeys-Dietz Syndrome/Familial Thoracic Aortic Aneurysms and Dissections. Identifiers: MedGen CN229799.
Marfan syndrome (MFS). Also called: MARFAN SYNDROME, TYPE I; FBN1-Related Marfan Syndrome; Marfan syndrome type 1; Marfan's syndrome; Marfan syndrome, classic. Identifiers: Orphanet 284963, Orphanet 558, MedGen C0024796, MONDO:0007947, OMIM 154700.
Familial thoracic aortic aneurysm and aortic dissection (TAAD). Also called: Thoracic aortic aneurysms and dissections. Identifiers: Orphanet 91387, MedGen C4707243, MONDO:0019625.

Submissions (2):

Labcorp Genetics (formerly Invitae), Labcorp
Classification: Pathogenic for Marfan syndrome; Familial thoracic aortic aneurysm and aortic dissection. Last evaluated: 2022-10-25. Review status: criteria provided, single submitter. Criteria: Invitae Variant Classification Sherloc (09022015). Collection method: clinical testing. Allele origin: germline.
Comment: For these reasons, this variant has been classified as Pathogenic. This sequence change affects a donor splice site in intron 44 of the FBN1 gene. It is expected to disrupt RNA splicing. Variants that disrupt the donor or acceptor splice site typically lead to a loss of protein function (PMID: 16199547), and loss-of-function variants in FBN1 are known to be pathogenic (PMID: 17657824, 19293843). This variant is not present in population databases (gnomAD no frequency). Disruption of this splice site has been observed in individuals with Marfan syndrome (PMID: 27906200, 31730815). ClinVar contains an entry for this variant (Variation ID: 495620). Algorithms developed to predict the effect of sequence changes on RNA splicing suggest that this variant may disrupt the consensus splice site.

Women's Health and Genetics/Laboratory Corporation of America, LabCorp
Classification: Likely pathogenic for Marfan Syndrome/Loeys-Dietz Syndrome/Familial Thoracic Aortic Aneurysms and Dissections. Last evaluated: 2016-07-19. Review status: criteria provided, single submitter. Criteria: LabCorp Variant Classification Summary - May 2015. Collection method: clinical testing. Allele origin: germline.
Comment: Variant summary: The FBN1 c.5422+2T>C variant is located a conserved intronic position, known to affect splicing with 4/5 splice prediction tools predicting a significant impact on splicing, which has yet to be functionally assessed. The variant of interest was not found in controls (ExAC, 1000 Gs or ESP), nor has it been, to our knowledge, reported in affected individuals via publications and/or reputable databases/clinical laboratories. Therefore, taking all available lines of evidence into consideration, the variant of interest has been classified as likely pathogenic until additional information becomes available.

Literature cited by the submitters: PubMed 16199547 (cited by Labcorp Genetics (formerly Invitae), Labcorp); PubMed 17657824 (cited by Labcorp Genetics (formerly Invitae), Labcorp); PubMed 19293843 (cited by Labcorp Genetics (formerly Invitae), Labcorp); PubMed 27906200 (cited by Labcorp Genetics (formerly Invitae), Labcorp); PubMed 31730815 (cited by Labcorp Genetics (formerly Invitae), Labcorp).